The following is an entry in ClinVar:

ClinVar aggregate classification (germline): Uncertain significance (1 of 4 stars; one submission).

Conditions:
Kabuki syndrome. Also called: NIIKAWA-KUROKI SYNDROME; Kabuki make-up syndrome. Identifiers: Orphanet 2322, MedGen C0796004, MONDO:0016512.

Submission:

Labcorp Genetics (formerly Invitae), Labcorp
Classification: Uncertain significance for Kabuki syndrome. Last evaluated: 2026-01-24. Review status: criteria provided, single submitter. Criteria: Invitae Variant Classification Sherloc (09022015). Collection method: clinical testing. Allele origin: germline.
Comment: This variant, c.2439_2465del, results in the deletion of 9 amino acid(s) of the KMT2D protein (p.His814_Pro822del), but otherwise preserves the integrity of the reading frame. This variant is present in population databases (no rsID available, gnomAD 0.007%). This variant has not been reported in the literature in individuals affected with KMT2D-related conditions. ClinVar contains an entry for this variant (Variation ID: 3665436). Experimental studies and prediction algorithms are not available or were not evaluated, and the functional significance of this variant is currently unknown. In summary, the available evidence is currently insufficient to determine the role of this variant in disease. Therefore, it has been classified as a Variant of Uncertain Significance.

NM_003482.4(KMT2D):c.2439_2465del (p.His814_Pro822del)

Gene: KMT2D (lysine methyltransferase 2D; minus strand). Cytogenetic location: 12q13.12.
Variant type: Deletion.
Coding change: c.2439_2465del on transcript NM_003482.4 (MANE Select); coding-DNA positions 2439 to 2465, 27 bases deleted (GCACCTGTCTCCTGTGCCTGAGGAGCC).
Protein change: p.His814_Pro822del.
Genome position (GRCh38, 1-based): chr12:49,051,218-49,051,244, GGCTCCTCAGGCACAGGAGACAGGTGC deleted on the plus strand (GCACCTGTCTCCTGTGCCTGAGGAGCC on the coding strand, the reverse complement: KMT2D is on the minus strand); deleting any 27 consecutive bases within chr12:49,051,218-49,051,254 gives the same sequence; the c. name uses the placement nearest the transcript's 3' end. VCF-style (leftmost placement, unchanged base first): chr12-49051217-TGGCTCCTCAGGCACAGGAGACAGGTGC-T. GRCh37 (hg19) VCF-style: chr12-49445000-TGGCTCCTCAGGCACAGGAGACAGGTGC-T.
Identifiers: ClinVar variation 3665436 (VCV003665436.2).
Genomic context (GRCh38, chr12:49,051,217, plus strand): 5'-CAGGCATGGCTCCTCAGACTGGGGGGACAGGTGTGATTCCTCAGGTTGGGGGGACAAGCA[TGGCTCCTCAGGCACAGGAGACAGGTGC>T]GGCTCCTCAGTCTGGGGGGACAGGTGCAATTCCTCAGGCTGAGGGGACAGATGTGGTCCC-3'